The following is an entry in ClinVar:

NM_001358351.3(SEMA6D):c.2688C>A (p.Ile896=)

Gene: SEMA6D (semaphorin 6D; plus strand). Cytogenetic location: 15q21.1.
Variant type: single nucleotide variant.
Coding change: c.2688C>A on transcript NM_001358351.3 (MANE Select); coding-DNA position 2688, C replaced by A.
Protein change: p.Ile896=; no amino-acid change (isoleucine 896 retained).
Molecular consequence: synonymous variant. On other transcripts: 3 prime UTR variant (1).
Genome position (GRCh38, 1-based): chr15:47,771,251, C>A. VCF-style: chr15-47771251-C-A. GRCh37 (hg19) VCF-style: chr15-48063448-C-A.
Other names: c.2502C>A, p.Ile834= (NM_001198999.2, NM_020858.2); c.2727C>A, p.Ile909= (NM_001358352.2); c.2463C>A, p.Ile821= (NM_153616.2); c.2520C>A, p.Ile840= (NM_153617.2); c.2688C>A, p.Ile896= (NM_153618.2); c.*704C>A (NM_153619.1).
Identifiers: ClinVar variation 3047659 (VCV003047659.2), dbSNP rs948836409, ClinGen allele CA269454416.

ClinVar aggregate classification (germline): Likely benign (0 of 4 stars; one submission).

Conditions:
SEMA6D-related disorder. Also called: SEMA6D-related condition.

Allele frequency attached by ClinVar (database versions not stated): gnomAD 0.00001; gnomAD exomes 0.00001.
gnomAD v4.1: 12 of 1,614,086 alleles (0.00074%); highest among the groups gnomAD compares: Middle Eastern, 0.083%; no homozygotes.

Submission:

PreventionGenetics, part of Exact Sciences
Classification: Likely benign for SEMA6D-related condition. Last evaluated: 2019-03-22. Review status: no assertion criteria provided. Collection method: clinical testing. Allele origin: germline.
Comment: This variant is classified as likely benign based on ACMG/AMP sequence variant interpretation guidelines (Richards et al. 2015 PMID: 25741868, with internal and published modifications).